The following is an entry in ClinVar:

NM_173489.5(MROH2B):c.3798G>A (p.Gln1266=)

Gene: MROH2B (maestro heat like repeat family member 2B; minus strand). Cytogenetic location: 5p13.1.
Variant type: single nucleotide variant.
Coding change: c.3798G>A on transcript NM_173489.5 (MANE Select); coding-DNA position 3798, G replaced by A.
Protein change: p.Gln1266=; no amino-acid change (glutamine 1266 retained).
Molecular consequence: synonymous variant.
Genome position (GRCh38, 1-based): chr5:41,005,597, C>T on the plus strand (G>A on the coding strand, the complement: MROH2B is on the minus strand). VCF-style: chr5-41005597-C-T. GRCh37 (hg19) VCF-style: chr5-41005699-C-T.
Identifiers: ClinVar variation 916268 (VCV000916268.41), dbSNP rs141655634, ClinGen allele CA3250677.

ClinVar aggregate classification (germline): Likely benign. Review status: criteria provided, multiple submitters, no conflicts (2 of 4 stars). 2 submissions from 2 submitters: Likely benign (2). Last evaluated 2026-01-01.

Allele frequency attached by ClinVar (database versions not stated): gnomAD exomes 0.00117 and 0.00206; 1000 Genomes Project 0.00120; 1000 Genomes Project 30x 0.00125; ExAC 0.00226; gnomAD 0.00268 and 0.00280; ESP Exome Variant Server 0.00288; TOPMed 0.00329.
gnomAD v4.1: 2,262 of 1,612,152 alleles (0.14%); highest among the groups gnomAD compares: Middle Eastern, 1%; 7 homozygotes.

Submissions (2):

CeGaT Center for Human Genetics Tuebingen
Classification: Likely benign. Last evaluated: 2026-01-01. Review status: criteria provided, single submitter. Criteria: CeGaT Center For Human Genetics Tuebingen Variant Classification Criteria Version 2. Collection method: clinical testing. Allele origin: germline. Affected: yes. Observed: 4 variant alleles.
Comment: MROH2B: BP4, BP7

Breakthrough Genomics
Classification: Likely benign. Review status: criteria provided, single submitter. Criteria: ACMG Guidelines, 2015. Collection method: not provided. Allele origin: germline. Inheritance: Unknown mechanism. Affected: yes.